The following is an entry in ClinVar:

ClinVar aggregate classification (germline): Uncertain significance (1 of 4 stars; one submission).

Conditions:
Paroxysmal nonkinesigenic dyskinesia. Also called: Paroxysmal non-kinesigenic dyskinesia. Identifiers: Orphanet 98810, MedGen C1869117, MONDO:0700088.

Allele frequency attached by ClinVar (database versions not stated): TOPMed below 0.00001.

Submission:

Labcorp Genetics (formerly Invitae), Labcorp
Classification: Uncertain significance for Paroxysmal nonkinesigenic dyskinesia. Last evaluated: 2023-07-25. Review status: criteria provided, single submitter. Criteria: Invitae Variant Classification Sherloc (09022015). Collection method: clinical testing. Allele origin: germline.
Comment: In summary, the available evidence is currently insufficient to determine the role of this variant in disease. Therefore, it has been classified as a Variant of Uncertain Significance. Advanced modeling of protein sequence and biophysical properties (such as structural, functional, and spatial information, amino acid conservation, physicochemical variation, residue mobility, and thermodynamic stability) performed at Invitae indicates that this missense variant is expected to disrupt PNKD protein function. This variant has not been reported in the literature in individuals affected with PNKD-related conditions. This variant is not present in population databases (gnomAD no frequency). This sequence change replaces tyrosine, which is neutral and polar, with cysteine, which is neutral and slightly polar, at codon 131 of the PNKD protein (p.Tyr131Cys).

NM_015488.5(PNKD):c.392A>G (p.Tyr131Cys)

Genes: PNKD (PNKD metallo-beta-lactamase domain containing; plus strand), CATIP-AS2 (CATIP antisense RNA 2; minus strand). Cytogenetic location: 2q35.
Variant type: single nucleotide variant.
Coding change: c.392A>G on transcript NM_015488.5 (MANE Select); coding-DNA position 392, A replaced by G.
Protein change: p.Tyr131Cys; replaces tyrosine 131 with cysteine.
Molecular consequence: missense variant.
Genome position (GRCh38, 1-based): chr2:218,340,068, A>G. VCF-style: chr2-218340068-A-G. GRCh37 (hg19) VCF-style: chr2-219204791-A-G.
Other names: c.320A>G, p.Tyr107Cys (NM_022572.5); short protein forms Y131C, Y107C.
Identifiers: ClinVar variation 2980720 (VCV002980720.3), dbSNP rs1694627207, ClinGen allele CA350538513.